The following is an entry in ClinVar:

NM_006514.4(SCN10A):c.3732T>A (p.Ala1244=)

Gene: SCN10A (sodium voltage-gated channel alpha subunit 10; minus strand). Cytogenetic location: 3p22.2.
Variant type: single nucleotide variant.
Coding change: c.3732T>A on transcript NM_006514.4 (MANE Select); coding-DNA position 3732, T replaced by A.
Protein change: p.Ala1244=; no amino-acid change (alanine 1244 retained).
Molecular consequence: synonymous variant.
Genome position (GRCh38, 1-based): chr3:38,714,030, A>T on the plus strand (T>A on the coding strand, the complement: SCN10A is on the minus strand). VCF-style: chr3-38714030-A-T. GRCh37 (hg19) VCF-style: chr3-38755521-A-T.
Other names: c.3729T>A, p.Ala1243= (NM_001293306.2); c.3438T>A, p.Ala1146= (NM_001293307.2); c.3732T>A (NM_006514.3).
Identifiers: ClinVar variation 2906670 (VCV002906670.5), dbSNP rs762335602, ClinGen allele CA2320137.

ClinVar aggregate classification (germline): Likely benign. Review status: criteria provided, single submitter (1 of 4 stars). 2 submissions from 2 submitters: Likely benign (1). 1 of the submissions does not count toward it. Last evaluated 2023-01-01.

Conditions:
SCN10A-related disorder. Also called: SCN10A-related condition.
Brugada syndrome. Also called: Sudden unexplained nocturnal death syndrome; Sudden unexpected nocturnal death syndrome; Sudden Unexplained Death Syndrome; Sudden Unexplained Nocturnal Death Syndrome (SUNDS). Identifiers: Orphanet 130, MedGen C1142166, MONDO:0015263.

Allele frequency attached by ClinVar (database versions not stated): gnomAD exomes 0.00001; ExAC 0.00002.
gnomAD v4.1: 11 of 1,614,188 alleles (0.00068%); highest among the groups gnomAD compares: South Asian, 0.0099%; no homozygotes.

Submissions (2):

Labcorp Genetics (formerly Invitae), Labcorp
Classification: Likely benign for Brugada syndrome. Last evaluated: 2023-01-01. Review status: criteria provided, single submitter. Criteria: Invitae Variant Classification Sherloc (09022015). Collection method: clinical testing. Allele origin: germline.

PreventionGenetics, part of Exact Sciences
Classification: Likely benign for SCN10A-related condition. Last evaluated: 2022-11-10. Review status: no assertion criteria provided. Collection method: clinical testing. Allele origin: germline. Not counted in ClinVar's aggregate classification.
Comment: This variant is classified as likely benign based on ACMG/AMP sequence variant interpretation guidelines (Richards et al. 2015 PMID: 25741868, with internal and published modifications).